The following is an entry in ClinVar:

NM_000219.6(KCNE1):c.*456C>T

Gene: KCNE1 (potassium voltage-gated channel subfamily E regulatory subunit 1; minus strand). Cytogenetic location: 21q22.12.
Variant type: single nucleotide variant.
Coding change: c.*456C>T on transcript NM_000219.6 (MANE Select); 456 bases downstream of the stop codon, C replaced by T.
Molecular consequence: 3 prime UTR variant.
Genome position (GRCh38, 1-based): chr21:34,448,789, G>A on the plus strand (C>T on the coding strand, the complement: KCNE1 is on the minus strand). VCF-style: chr21-34448789-G-A. GRCh37 (hg19) VCF-style: chr21-35821087-G-A.
Other names: c.*456C>T (NM_001127668.4, NM_001127669.4, NM_001127670.4 and 4 more transcripts).
Identifiers: ClinVar variation 339764 (VCV000339764.9), dbSNP rs2070356, ClinGen allele CA10644595.

ClinVar aggregate classification (germline): Benign. Review status: criteria provided, multiple submitters, no conflicts (2 of 4 stars). 4 submissions from 3 submitters: Benign (4). Last evaluated 2019-06-13.

Conditions:
Jervell and Lange-Nielsen syndrome 2 (JLNS2). Identifiers: Orphanet 768, Orphanet 90647, MedGen C2676723, MONDO:0012871, OMIM 612347.
Long QT syndrome 5 (LQT5). Identifiers: Orphanet 101016, Orphanet 768, MedGen C1867904, MONDO:0013372, OMIM 613695.

Allele frequency attached by ClinVar (database versions not stated): 1000 Genomes Project 0.44808; gnomAD 0.48073.

Submissions (4):

GeneDx
Classification: Benign. Last evaluated: 2019-06-13. Review status: criteria provided, single submitter. Criteria: GeneDx Variant Classification Process June 2021. Collection method: clinical testing. Allele origin: germline. Affected: yes.

Illumina Laboratory Services, Illumina
Classification: Benign for Long QT syndrome 5. Last evaluated: 2018-01-12. Review status: criteria provided, single submitter. Criteria: ICSL Variant Classification Criteria 13 December 2019. Collection method: clinical testing. Allele origin: germline.
Comment: This variant was observed in the ICSL laboratory as part of a predisposition screen in an ostensibly healthy population. It had not been previously curated by ICSL or reported in the Human Gene Mutation Database (HGMD: prior to June 1st, 2018), and was therefore a candidate for classification through an automated scoring system. Utilizing variant allele frequency, disease prevalence and penetrance estimates, and inheritance mode, an automated score was calculated to assess if this variant is too frequent to cause the disease. Based on the score and internal cut-off values, a variant classified as benign is not then subjected to further curation. The score for this variant resulted in a classification of benign for this disease.

Illumina Laboratory Services, Illumina
Classification: Benign for Jervell and Lange-Nielsen syndrome 2. Last evaluated: 2018-01-12. Review status: criteria provided, single submitter. Criteria: ICSL Variant Classification Criteria 13 December 2019. Collection method: clinical testing. Allele origin: germline.
Comment: the same text as in the submission from Illumina Laboratory Services, Illumina above.

Breakthrough Genomics
Classification: Benign. Review status: criteria provided, single submitter. Criteria: ACMG Guidelines, 2015. Collection method: not provided. Allele origin: germline. Inheritance: Autosomal recessive inheritance. Affected: yes.